The following is an entry in ClinVar:

NM_022081.6(HPS4):c.2089A>G (p.Lys697Glu)

Gene: HPS4 (HPS4 biogenesis of lysosomal organelles complex 3 subunit 2; minus strand). Cytogenetic location: 22q12.1.
Variant type: single nucleotide variant.
Coding change: c.2089A>G on transcript NM_022081.6 (MANE Select); coding-DNA position 2089, A replaced by G.
Protein change: p.Lys697Glu; replaces lysine 697 with glutamic acid.
Molecular consequence: missense variant. On other transcripts: non-coding transcript variant (8), intron variant (2).
Genome position (GRCh38, 1-based): chr22:26,453,271, T>C on the plus strand (A>G on the coding strand, the complement: HPS4 is on the minus strand). VCF-style: chr22-26453271-T-C. GRCh37 (hg19) VCF-style: chr22-26849237-T-C.
Other names: c.2089A>G, p.Lys697Glu (NM_001349896.1, NM_001349898.2, NM_001349899.2); c.2143A>G, p.Lys715Glu (NM_001349900.2, NM_001349901.1); c.1847A>G, p.Lys616Arg (NM_001349902.1, NM_001349903.2); c.*614A>G (NM_001410832.1); c.2074A>G, p.Lys692Glu (NM_152841.2); c.1955+4588A>G (NM_001349905.1, NM_001349904.2); short protein forms K697E, K692E, K616R, K715E.
Identifiers: ClinVar variation 1910402 (VCV001910402.2), dbSNP rs770063857, ClinGen allele CA10163083.

ClinVar aggregate classification (germline): Uncertain significance (1 of 4 stars; one submission).

Allele frequency attached by ClinVar (database versions not stated): ExAC 0.00001; gnomAD 0.00001; TOPMed 0.00001.
gnomAD v4.1: 37 of 1,614,110 alleles (0.0023%); highest among the groups gnomAD compares: Non-Finnish European, 0.0029%; no homozygotes.

Submission:

Labcorp Genetics (formerly Invitae), Labcorp
Classification: Uncertain significance. Last evaluated: 2022-06-26. Review status: criteria provided, single submitter. Criteria: Invitae Variant Classification Sherloc (09022015). Collection method: clinical testing. Allele origin: germline.
Comment: This sequence change replaces lysine, which is basic and polar, with glutamic acid, which is acidic and polar, at codon 697 of the HPS4 protein (p.Lys697Glu). This variant is present in population databases (rs770063857, gnomAD 0.004%). This variant has not been reported in the literature in individuals affected with HPS4-related conditions. Algorithms developed to predict the effect of missense changes on protein structure and function are either unavailable or do not agree on the potential impact of this missense change (SIFT: "Deleterious"; PolyPhen-2: "Probably Damaging"; Align-GVGD: "Class C15"). In summary, the available evidence is currently insufficient to determine the role of this variant in disease. Therefore, it has been classified as a Variant of Uncertain Significance.